The following is an entry in ClinVar:

NM_012186.3(FOXE3):c.903del (p.Glu303fs)

Genes: FOXE3 (forkhead box E3; plus strand), LINC01389 (long intergenic non-protein coding RNA 1389; minus strand). Cytogenetic location: 1p33.
Variant type: Deletion.
Coding change: c.903del on transcript NM_012186.3 (MANE Select); coding-DNA position 903, one base deleted (T; older notation c.903delT).
Protein change: p.Glu303fs; shifts the reading frame from glutamic acid 303.
Molecular consequence: frameshift variant.
Genome position (GRCh38, 1-based): chr1:47,417,218, T deleted. VCF-style (leftmost placement, unchanged base first): chr1-47417217-CT-C. GRCh37 (hg19) VCF-style: chr1-47882889-CT-C.
Other names: short protein forms E303fs.
Identifiers: ClinVar variation 3279568 (VCV003279568.1).

ClinVar aggregate classification (germline): Uncertain significance (1 of 4 stars; one submission).

Conditions:
Cardiovascular phenotype. Identifiers: MedGen CN230736.

Submission:

Ambry Genetics
Classification: Uncertain significance for Cardiovascular phenotype. Last evaluated: 2024-05-02. Review status: criteria provided, single submitter. Criteria: Ambry Variant Classification Scheme 2023. Collection method: clinical testing. Allele origin: germline.
Comment: The c.903delT variant, located in coding exon 1 of the FOXE3 gene, results from a deletion of one nucleotide at nucleotide position 903, causing a translational frameshift with a predicted alternate stop codon (p.E303Rfs*4). This alteration occurs at the 3' terminus of theFOXE3 gene, is not expected to trigger nonsense-mediated mRNAdecay, and only impacts the last 5% of the protein. The exact functional effect of this alteration is unknown. Based on the available evidence, the clinical significance of this variant remains unclear.